The following is an entry in ClinVar:

NM_002528.7(NTHL1):c.623G>T (p.Gly208Val)

Gene: NTHL1 (nth like DNA glycosylase 1; minus strand). Cytogenetic location: 16p13.3.
Variant type: single nucleotide variant.
Coding change: c.623G>T on transcript NM_002528.7 (MANE Select); coding-DNA position 623, G replaced by T.
Protein change: p.Gly208Val; replaces glycine 208 with valine.
Molecular consequence: missense variant.
Genome position (GRCh38, 1-based): chr16:2,043,629, C>A on the plus strand (G>T on the coding strand, the complement: NTHL1 is on the minus strand). VCF-style: chr16-2043629-C-A. GRCh37 (hg19) VCF-style: chr16-2093630-C-A.
Other names: c.452G>T, p.Gly151Val (NM_001318193.2); c.293G>T, p.Gly98Val (NM_001318194.2); c.647G>T (NM_002528.5); short protein forms G151V, G208V, G98V.
Identifiers: ClinVar variation 1058872 (VCV001058872.8), dbSNP rs2150941253, ClinGen allele CA394291354.

ClinVar aggregate classification (germline): Uncertain significance. Review status: criteria provided, multiple submitters, no conflicts (2 of 4 stars). 2 submissions from 2 submitters: Uncertain significance (2). Last evaluated 2024-08-12.

Conditions:
Hereditary cancer-predisposing syndrome. Also called: Neoplastic Syndromes, Hereditary; Hereditary Cancer Syndrome; Hereditary neoplastic syndrome; Tumor predisposition. Identifiers: Orphanet 140162, MedGen C0027672, MeSH D009386, MONDO:0015356.

gnomAD v4.1: 3 of 1,611,084 alleles (0.00019%); highest among the groups gnomAD compares: Non-Finnish European, 0.00025%; no homozygotes.

Submissions (2):

Labcorp Genetics (formerly Invitae), Labcorp
Classification: Uncertain significance. Last evaluated: 2024-08-12. Review status: criteria provided, single submitter. Criteria: Invitae Variant Classification Sherloc (09022015). Collection method: clinical testing. Allele origin: germline.
Comment: This sequence change replaces glycine, which is neutral and non-polar, with valine, which is neutral and non-polar, at codon 216 of the NTHL1 protein (p.Gly216Val). This variant is not present in population databases (gnomAD no frequency). This variant has not been reported in the literature in individuals affected with NTHL1-related conditions. ClinVar contains an entry for this variant (Variation ID: 1058872). An algorithm developed to predict the effect of missense changes on protein structure and function (PolyPhen-2) suggests that this variant is likely to be disruptive. In summary, the available evidence is currently insufficient to determine the role of this variant in disease. Therefore, it has been classified as a Variant of Uncertain Significance.

Ambry Genetics
Classification: Uncertain significance for Hereditary cancer-predisposing syndrome. Last evaluated: 2023-05-04. Review status: criteria provided, single submitter. Criteria: Ambry Variant Classification Scheme 2023. Collection method: clinical testing. Allele origin: germline.
Comment: The p.G216V variant (also known as c.647G>T), located in coding exon 4 of the NTHL1 gene, results from a G to T substitution at nucleotide position 647. The glycine at codon 216 is replaced by valine, an amino acid with dissimilar properties. This amino acid position is conserved. In addition, this alteration is predicted to be deleterious by in silico analysis. Since supporting evidence is limited at this time, the clinical significance of this alteration remains unclear.